The following is an entry in ClinVar:

NC_000017.10:g.(?_41234415)_(41276119_?)del

Gene: BRCA1 (BRCA1 DNA repair associated; minus strand). Cytogenetic location: 17q21.31.
Variant type: Deletion.
Identifiers: ClinVar variation 1075232 (VCV001075232.3).

ClinVar aggregate classification (germline): Pathogenic (1 of 4 stars; one submission).

Conditions:
Hereditary breast ovarian cancer syndrome. Also called: Hereditary breast and ovarian cancer; Breast and ovarian cancer; BRCA1- and BRCA2-Associated Hereditary Breast and Ovarian Cancer; Hereditary breast and/or ovarian cancer syndrome; Hereditary breast and ovarian cancer syndrome; Hereditary breast and ovarian cancer syndrome (HBOC). Identifiers: Orphanet 145, MedGen C0677776, MeSH D061325, MONDO:0003582. Disease mechanism: loss of function.

Submission:

Labcorp Genetics (formerly Invitae), Labcorp
Classification: Pathogenic for Hereditary breast ovarian cancer syndrome. Last evaluated: 2017-02-15. Review status: criteria provided, single submitter. Criteria: Invitae Variant Classification Sherloc (09022015). Collection method: clinical testing. Allele origin: germline.
Comment: For these reasons, this variant has been classified as Pathogenic. Loss-of-function variants in BRCA1 are known to be pathogenic (PMID: 20104584). Similar subgenic deletions encompassing at least exons 2-12 of the BRCA1 gene (also known as exons 2-13) have been reported in individuals affected with breast and/or ovarian cancer (PMID: 19894111,¬†23683081, 24686251, 18501021). This variant is a gross deletion of the genomic region encompassing exons 2-12 of the BRCA1 gene, which includes the initiator codon. The 5' end of this event is unknown as it extends beyond the assayed region for this gene and therefore may encompass additional genes. The 3' boundary is likely confined to intron 12 of the BRCA1 gene. This is expected to result in an absent or disrupted protein product.

Literature cited by the submitters: PubMed 20104584; PubMed 19894111.